The following is an entry in ClinVar:

ClinVar aggregate classification (germline): Benign. Review status: criteria provided, multiple submitters, no conflicts (2 of 4 stars). 3 submissions from 2 submitters: Benign (3). Last evaluated 2021-05-16.

Conditions:
Charcot-Marie-Tooth disease type 4C (CMT4C). Also called: CHARCOT-MARIE-TOOTH DISEASE, DEMYELINATING, AUTOSOMAL RECESSIVE, TYPE 4C; CMT 4C; Charcot-Marie-Tooth Neuropathy Type 4C (CMT4C); CHARCOT-MARIE-TOOTH DISEASE, DEMYELINATING, TYPE 4C; SH3TC2-Related Hereditary Motor and Sensory Neuropathy. Identifiers: Orphanet 99949, MedGen C1866636, MONDO:0011113, OMIM 601596.
Susceptibility to mononeuropathy of the median nerve, mild. Also called: CARPAL TUNNEL SYNDROME, SUSCEPTIBILITY TO. Identifiers: MedGen C3150596, MONDO:0013237, OMIM 613353.

Allele frequency attached by ClinVar (database versions not stated): gnomAD 0.07727 and 0.07778; TOPMed 0.09659; 1000 Genomes Project 0.10942; 1000 Genomes Project 30x 0.11227.
gnomAD v4.1: 11,700 of 152,130 alleles (7.7%); highest among the groups gnomAD compares: Admixed American, 18%; 888 homozygotes.

Submissions (3):

GeneDx
Classification: Benign. Last evaluated: 2021-05-16. Review status: criteria provided, single submitter. Criteria: GeneDx Variant Classification Process June 2021. Collection method: clinical testing. Allele origin: germline. Affected: yes.

Illumina Laboratory Services, Illumina
Classification: Benign for Charcot-Marie-Tooth disease type 4C. Last evaluated: 2018-01-13. Review status: criteria provided, single submitter. Criteria: ICSL Variant Classification Criteria 13 December 2019. Collection method: clinical testing. Allele origin: germline.
Comment: This variant was observed in the ICSL laboratory as part of a predisposition screen in an ostensibly healthy population. It had not been previously curated by ICSL or reported in the Human Gene Mutation Database (HGMD: prior to June 1st, 2018), and was therefore a candidate for classification through an automated scoring system. Utilizing variant allele frequency, disease prevalence and penetrance estimates, and inheritance mode, an automated score was calculated to assess if this variant is too frequent to cause the disease. Based on the score and internal cut-off values, a variant classified as benign is not then subjected to further curation. The score for this variant resulted in a classification of benign for this disease.

Illumina Laboratory Services, Illumina
Classification: Benign for Susceptibility to mononeuropathy of the median nerve, mild. Last evaluated: 2018-01-13. Review status: criteria provided, single submitter. Criteria: ICSL Variant Classification Criteria 13 December 2019. Collection method: clinical testing. Allele origin: germline.
Comment: the same text as in the submission from Illumina Laboratory Services, Illumina above.

NM_024577.4(SH3TC2):c.*11852G>T

Gene: SH3TC2 (SH3 domain and tetratricopeptide repeats 2; minus strand). Cytogenetic location: 5q32.
Variant type: single nucleotide variant.
Coding change: c.*11852G>T on transcript NM_024577.4 (MANE Select); 11852 bases downstream of the stop codon, G replaced by T.
Molecular consequence: 3 prime UTR variant.
Genome position (GRCh38, 1-based): chr5:148,992,859, C>A on the plus strand (G>T on the coding strand, the complement: SH3TC2 is on the minus strand). VCF-style: chr5-148992859-C-A. GRCh37 (hg19) VCF-style: chr5-148372422-C-A.
Identifiers: ClinVar variation 351689 (VCV000351689.6), dbSNP rs13359285, ClinGen allele CA10623227.
Genomic context (GRCh38, chr5:148,992,859, plus strand): 5'-AACTCATCCCTGCAACATGCACCAAGAGTCTTCCAGGATTAAACTGCTGGGTATAACATG[C>A]ACAGCTCATAGGGTTTGGGTATGGCTTGGAAAATCATCATGCTTCACATATATCATTGAC-3'